The following is an entry in ClinVar:

ClinVar aggregate classification (germline): Conflicting classifications of pathogenicity. Review status: criteria provided, conflicting classifications (1 of 4 stars). 8 submissions from 8 submitters: Pathogenic (3); Likely pathogenic (4); Uncertain significance (1). Last evaluated 2025-11-28.

Conditions:
Lateral meningocele syndrome (LMNS). Also called: NOTCH3-Related Lateral Meningocele Syndrome. Identifiers: Orphanet 2789, MedGen C1851710, MONDO:0007537, OMIM 130720.
Cerebral arteriopathy, autosomal dominant, with subcortical infarcts and leukoencephalopathy, type 1 (CADASIL1). Also called: CADASIL 1; CASIL; Cerebral arteriopathy with subcortical infarcts and leukoencephalopathy 1; DEMENTIA, HEREDITARY MULTIINFARCT TYPE. Identifiers: Orphanet 136, MedGen C4551768, MONDO:0000914, OMIM 125310.
Myofibromatosis, infantile, 2. Identifiers: Orphanet 2591, MedGen C3809084, MONDO:0014122, OMIM 615293.

Submissions (8):

Genetics Laboratory, Great Ormond Street Hospital NHS Foundation Trust, North Thames Genomic Laboratory Hub
Classification: Pathogenic for CADASIL. Last evaluated: 2025-11-28. Review status: criteria provided, single submitter. Criteria: ACGS Best Practice Guidelines for Variant Classification in Rare Disease 2024 v1.2. Collection method: clinical testing. Allele origin: germline. Affected: yes.
Comment: PS4_moderate, PM2_moderate, PP3_supporting, PM1_strong, PP4_supporting

Mayo Clinic Laboratories, Mayo Clinic
Classification: Pathogenic. Last evaluated: 2025-03-17. Review status: criteria provided, single submitter. Criteria: ACMG Guidelines, 2015. Collection method: clinical testing. Allele origin: germline. Observed: 1 variant allele.
Comment: PP2, PP3, PP4, PM1, PM2_supporting, PS4

Athena Diagnostics
Classification: Pathogenic. Last evaluated: 2025-01-08. Review status: criteria provided, single submitter. Criteria: Athena Diagnostics Criteria. Collection method: clinical testing. Allele origin: unknown.
Comment: This variant alters a critical location within the protein, and is expected to severely affect function and cause disease. This variant has not been reported in large, multi-ethnic general populations. This variant has been identified in multiple unrelated individuals with CADASIL. In some published literature, this variant is referred to as being at nucleotide 1423. Greater than 90% of NOTCH3 pathogenic variants associated with CADASIL involve the gain or loss of a cysteine residue within the epidermal growth factor (EGF)-like repeat domain (PMID: 32457593, 20301673).

GeneDx
Classification: Uncertain significance. Last evaluated: 2024-11-19. Review status: criteria provided, single submitter. Criteria: GeneDx Variant Classification Process June 2021. Collection method: clinical testing. Allele origin: germline. Affected: yes.
Comment: Reported previously as p.(R449C) in patients with CADASIL; however, there is the possiblity this may not be the same variant as the articles either don't mention a c. or use a different number (PMID: 36401683, 26261665, 15834039, 19542611, 28716282); In silico analysis supports that this missense variant has a deleterious effect on protein structure/function; Not observed at significant frequency in large population cohorts (gnomAD); This variant is associated with the following publications: (PMID: 31915071, 24844136, 17854869, 12146805, 37873835, 28716282, 15995828, 19080749, 16791082, 19006080, 32470649, 19542611, 15834039, 26261665, 36401683)

ARUP Laboratories, Molecular Genetics and Genomics, ARUP Laboratories
Classification: Likely pathogenic. Last evaluated: 2024-04-23. Review status: criteria provided, single submitter. Criteria: ARUP Molecular Germline Variant Investigation Process 2024. Collection method: clinical testing. Allele origin: germline.
Comment: The NOTCH3 c.1345C>T; p.Arg449Cys variant is reported in the literature in several individuals with a diagnosis or suspicion of CADASIL (Dunn 2020, Hassan 2015, Juhosova 2023). This variant is reported in ClinVar (Variation ID: 810777) and is absent from general population databases (Exome Variant Server, Genome Aggregation Database), indicating it is not a common polymorphism. The arginine at codon 449 is highly conserved, it occurs in an EGF-like domain, and computational analyses predict that this variant is deleterious (REVEL: 0.767). Most pathogenic NOTCH3 variants occur in exons 2-24 and either create or destroy a cysteine residue within an EGF-like domain (Rutten 2014), and thus the p.Arg449Cys variant is consistent with the predominant mechanism of disease in NOTCH3. Based on available information, this variant is considered to be likely pathogenic. References: Dunn PJ et al Investigating diagnostic sequencing techniques for CADASIL diagnosis. Hum Genomics. 2020 Jan 8;14(1):2 PMID: 31915071. Hassan WA et al. Neoplastic lesions in CADASIL syndrome: report of an autopsied Japanese case. Int J Clin Exp Pathol. 2015 Jun 1;8(6):7533-9. PMID: 26261665. Juhosova M et al. Influence of different spectra of NOTCH3 variants on the clinical phenotype of CADASIL - experience from Slovakia. Neurogenetics. 2023 Jan;24(1):1-16. PMID: 36401683. Rutten JW et al. Interpretation of NOTCH3 mutations in the diagnosis of CADASIL. Expert Rev Mol Diagn. 2014 Jun;14(5):593-603. PMID: 24844136.

Labcorp Genetics (formerly Invitae), Labcorp
Classification: Likely pathogenic. Last evaluated: 2023-11-13. Review status: criteria provided, single submitter. Criteria: Invitae Variant Classification Sherloc (09022015). Collection method: clinical testing. Allele origin: germline.
Comment: This sequence change replaces arginine, which is basic and polar, with cysteine, which is neutral and slightly polar, at codon 449 of the NOTCH3 protein (p.Arg449Cys). This variant is not present in population databases (gnomAD no frequency). This missense change has been observed in individuals with clinical features of CADASIL (PMID: 15834039, 19542611, 26261665, 31915071, 36401683; external communication). ClinVar contains an entry for this variant (Variation ID: 810777). Advanced modeling of protein sequence and biophysical properties (such as structural, functional, and spatial information, amino acid conservation, physicochemical variation, residue mobility, and thermodynamic stability) performed at Invitae indicates that this missense variant is expected to disrupt NOTCH3 protein function with a positive predictive value of 95%. Experimental studies have shown that this missense change does not substantially affect NOTCH3 function (PMID: 16791082). In summary, the currently available evidence indicates that the variant is pathogenic, but additional data are needed to prove that conclusively. Therefore, this variant has been classified as Likely Pathogenic.

Fulgent Genetics
Classification: Likely pathogenic for Cerebral arteriopathy, autosomal dominant, with subcortical infarcts and leukoencephalopathy, type 1; Lateral meningocele syndrome; Myofibromatosis, infantile, 2. Last evaluated: 2022-03-14. Review status: criteria provided, single submitter. Criteria: ACMG Guidelines, 2015. Collection method: clinical testing. Allele origin: unknown.

Clinical Genetics Service, Universitary Hospital 12 de Octubre
Classification: Likely pathogenic for Cerebral arteriopathy, autosomal dominant, with subcortical infarcts and leukoencephalopathy, type 1. Review status: criteria provided, single submitter. Criteria: ACMG Guidelines, 2015. Collection method: clinical testing. Allele origin: germline. Affected: yes.

Literature cited by the submitters: PubMed 12146805 (cited by Mayo Clinic Laboratories, Mayo Clinic); PubMed 15834039 (cited by 3 submitters); PubMed 16791082 (cited by 3 submitters); PubMed 19006080 (cited by Mayo Clinic Laboratories, Mayo Clinic and Athena Diagnostics); PubMed 19542611 (cited by 3 submitters); PubMed 26261665 (cited by 3 submitters); PubMed 31915071 (cited by 3 submitters); PubMed 32470649 (cited by Mayo Clinic Laboratories, Mayo Clinic); PubMed 36606642 (cited by Mayo Clinic Laboratories, Mayo Clinic); PubMed 38217707 (cited by Mayo Clinic Laboratories, Mayo Clinic); PubMed 25980907 (cited by Athena Diagnostics); PubMed 14710716 (cited by Athena Diagnostics); PubMed 36401683 (cited by Athena Diagnostics and Labcorp Genetics (formerly Invitae), Labcorp).

NM_000435.3(NOTCH3):c.1345C>T (p.Arg449Cys)

Gene: NOTCH3 (notch receptor 3; minus strand). Cytogenetic location: 19p13.12.
Variant type: single nucleotide variant.
Coding change: c.1345C>T on transcript NM_000435.3 (MANE Select); coding-DNA position 1345, C replaced by T.
Protein change: p.Arg449Cys; replaces arginine 449 with cysteine.
Molecular consequence: missense variant.
Genome position (GRCh38, 1-based): chr19:15,189,022, G>A on the plus strand (C>T on the coding strand, the complement: NOTCH3 is on the minus strand). VCF-style: chr19-15189022-G-A. GRCh37 (hg19) VCF-style: chr19-15299833-G-A.
Other names: p.Arg449Cys; short protein forms R449C.
Identifiers: ClinVar variation 810777 (VCV000810777.22), dbSNP rs762734007, ClinGen allele CA404527686.
Genomic context (GRCh38, chr19:15,189,022, plus strand): 5'-CCCGCCCAGGCCACGCCCACCACCCACCTGCCATACAGATACAGGTGAACTGGCCTATGC[G>A]GTCGAGGCACGTGGCCTGGTTTCGGCAGGGCCCCGACAGACACTCGTTGACATCGGTCTC-3'
Protein context (NP_000426.2, residues 439-459): PCRNQATCLD[Arg449Cys]IGQFTCICMA